The following is an entry in ClinVar:

NM_173689.7(CRB2):c.3839C>T (p.Pro1280Leu)

Gene: CRB2 (crumbs cell polarity complex component 2; plus strand). Cytogenetic location: 9q33.3.
Variant type: single nucleotide variant.
Coding change: c.3839C>T on transcript NM_173689.7 (MANE Select); coding-DNA position 3839, C replaced by T.
Protein change: p.Pro1280Leu; replaces proline 1280 with leucine.
Molecular consequence: missense variant. On other transcripts: non-coding transcript variant (1).
Genome position (GRCh38, 1-based): chr9:123,377,043, C>T. VCF-style: chr9-123377043-C-T. GRCh37 (hg19) VCF-style: chr9-126139322-C-T.
Other names: c.3839C>T (NM_173689.6); short protein forms P1280L.
Identifiers: ClinVar variation 2892421 (VCV002892421.6), dbSNP rs1049615495, ClinGen allele CA5232621.

ClinVar aggregate classification (germline): Conflicting classifications of pathogenicity. Review status: criteria provided, conflicting classifications (1 of 4 stars). 3 submissions from 3 submitters: Uncertain significance (1); Likely benign (1). 1 of the submissions does not count toward it. Last evaluated 2026-01-26.

Conditions:
CRB2-related disorder. Also called: CRB2-related condition; CRB2-related disorders.

Allele frequency attached by ClinVar (database versions not stated): gnomAD 0.00025; ExAC 0.00049.
gnomAD v4.1: 236 of 1,588,856 alleles (0.015%); highest among the groups gnomAD compares: East Asian, 0.25%; no homozygotes.

Submissions (3):

Labcorp Genetics (formerly Invitae), Labcorp
Classification: Likely benign. Last evaluated: 2026-01-26. Review status: criteria provided, single submitter. Criteria: Invitae Variant Classification Sherloc (09022015). Collection method: clinical testing. Allele origin: germline.

Blueprint Genetics
Classification: Uncertain significance. Last evaluated: 2024-11-25. Review status: criteria provided, single submitter. Criteria: ACMG Guidelines, 2015. Collection method: clinical testing. Allele origin: germline.

PreventionGenetics, part of Exact Sciences
Classification: Likely benign for CRB2-related condition. Last evaluated: 2022-03-16. Review status: no assertion criteria provided. Collection method: clinical testing. Allele origin: germline. Not counted in ClinVar's aggregate classification.
Comment: This variant is classified as likely benign based on ACMG/AMP sequence variant interpretation guidelines (Richards et al. 2015 PMID: 25741868, with internal and published modifications).